The following is an entry in ClinVar:

NM_004360.5(CDH1):c.696_750del (p.His233fs)

Gene: CDH1 (cadherin 1; plus strand). Cytogenetic location: 16q22.1.
Variant type: Deletion.
Coding change: c.696_750del on transcript NM_004360.5 (MANE Select); coding-DNA positions 696 to 750, 55 bases deleted.
Protein change: p.His233fs; shifts the reading frame from histidine 233.
Molecular consequence: frameshift variant. On other transcripts: 5 prime UTR variant (2).
Genome position (GRCh38, 1-based): chr16:68,810,205-68,810,259, 55 bases deleted. GRCh37 (hg19): chr16:68,844,108-68,844,162.
Other names: c.696_750del, p.His233fs (NM_001317184.2); c.-920_-866del (NM_001317185.2); c.-1124_-1070del (NM_001317186.2); short protein forms H233fs.
Identifiers: ClinVar variation 2583799 (VCV002583799.2), dbSNP rs2543918699, ClinGen allele CA2582342584.

ClinVar aggregate classification (germline): Pathogenic (1 of 4 stars; one submission).

Conditions:
Hereditary diffuse gastric adenocarcinoma (HDGC). Also called: DIFFUSE GASTRIC AND LOBULAR BREAST CANCER SYNDROME. Identifiers: Orphanet 26106, MedGen C1708349, MONDO:0007648, OMIM 137215.

Submission:

Myriad Genetics, Inc.
Classification: Pathogenic for Hereditary diffuse gastric adenocarcinoma. Last evaluated: 2023-06-12. Review status: criteria provided, single submitter. Criteria: Myriad Autosomal Dominant, Autosomal Recessive and X-Linked Classification Criteria (2023). Collection method: clinical testing. Allele origin: unknown.
Comment: This variant is considered pathogenic. This variant creates a frameshift predicted to result in premature protein truncation.